The following is an entry in ClinVar:

NM_001792.5(CDH2):c.383C>T (p.Thr128Ile)

Gene: CDH2 (cadherin 2; minus strand). Cytogenetic location: 18q12.1.
Variant type: single nucleotide variant.
Coding change: c.383C>T on transcript NM_001792.5 (MANE Select); coding-DNA position 383, C replaced by T.
Protein change: p.Thr128Ile; replaces threonine 128 with isoleucine.
Molecular consequence: missense variant.
Genome position (GRCh38, 1-based): chr18:28,013,699, G>A on the plus strand (C>T on the coding strand, the complement: CDH2 is on the minus strand). VCF-style: chr18-28013699-G-A. GRCh37 (hg19) VCF-style: chr18-25593663-G-A.
Other names: c.290C>T, p.Thr97Ile (NM_001308176.2); short protein forms T128I, T97I.
Identifiers: ClinVar variation 3265217 (VCV003265217.2).

ClinVar aggregate classification (germline): Uncertain significance. Review status: criteria provided, multiple submitters, no conflicts (2 of 4 stars). 2 submissions from 2 submitters: Uncertain significance (2). Last evaluated 2025-03-09.

Conditions:
Inborn genetic diseases. Identifiers: MedGen C0950123, MeSH D030342.

gnomAD v4.1: 6 of 1,613,392 alleles (0.00037%); highest among the groups gnomAD compares: Middle Eastern, 0.017%; no homozygotes.

Submissions (2):

Labcorp Genetics (formerly Invitae), Labcorp
Classification: Uncertain significance. Last evaluated: 2025-03-09. Review status: criteria provided, single submitter. Criteria: Invitae Variant Classification Sherloc (09022015). Collection method: clinical testing. Allele origin: germline.
Comment: This sequence change replaces threonine, which is neutral and polar, with isoleucine, which is neutral and non-polar, at codon 128 of the CDH2 protein (p.Thr128Ile). This variant is present in population databases (rs199902980, gnomAD 0.002%). This variant has not been reported in the literature in individuals affected with CDH2-related conditions. ClinVar contains an entry for this variant (Variation ID: 3265217). An algorithm developed to predict the effect of missense changes on protein structure and function (PolyPhen-2) suggests that this variant is likely to be tolerated. In summary, the available evidence is currently insufficient to determine the role of this variant in disease. Therefore, it has been classified as a Variant of Uncertain Significance.

Ambry Genetics
Classification: Uncertain significance for Inborn genetic diseases. Last evaluated: 2024-06-16. Review status: criteria provided, single submitter. Criteria: Ambry Variant Classification Scheme 2023. Collection method: clinical testing. Allele origin: germline.
Comment: The p.T128I variant (also known as c.383C>T), located in coding exon 3 of the CDH2 gene, results from a C to T substitution at nucleotide position 383. The threonine at codon 128 is replaced by isoleucine, an amino acid with similar properties. This amino acid position is conserved. In addition, this alteration is predicted to be tolerated by in silico analysis. Based on the available evidence, the clinical significance of this variant remains unclear.